The following is an entry in ClinVar:

NM_001131016.2(CIZ1):c.1635G>A (p.Gly545=)

Gene: CIZ1 (CDKN1A interacting zinc finger protein 1; minus strand). Cytogenetic location: 9q34.11.
Variant type: single nucleotide variant.
Coding change: c.1635G>A on transcript NM_001131016.2 (MANE Select); coding-DNA position 1635, G replaced by A.
Protein change: p.Gly545=; no amino-acid change (glycine 545 retained).
Molecular consequence: synonymous variant.
Genome position (GRCh38, 1-based): chr9:128,177,749, C>T on the plus strand (G>A on the coding strand, the complement: CIZ1 is on the minus strand). VCF-style: chr9-128177749-C-T. GRCh37 (hg19) VCF-style: chr9-130940028-C-T.
Other names: c.1467G>A, p.Gly489= (NM_001131015.2); c.1452G>A, p.Gly484= (NM_001131017.2); c.1395G>A, p.Gly465= (NM_001131018.2); c.1725G>A, p.Gly575= (NM_001257975.2); c.1332G>A, p.Gly444= (NM_001257976.2); c.1635G>A, p.Gly545= (NM_012127.3).
Identifiers: ClinVar variation 1979043 (VCV001979043.4), dbSNP rs763627376, ClinGen allele CA5257255.

ClinVar aggregate classification (germline): Uncertain significance (1 of 4 stars; one submission).

Conditions:
Dystonic disorder. Also called: Dystonia. Identifiers: MedGen C0013421, MONDO:0003441, HP:0001332.

Allele frequency attached by ClinVar (database versions not stated): TOPMed below 0.00001; gnomAD 0.00001; ExAC 0.00006.
gnomAD v4.1: 18 of 1,598,614 alleles (0.0011%); highest among the groups gnomAD compares: South Asian, 0.016%; no homozygotes.

Submission:

Labcorp Genetics (formerly Invitae), Labcorp
Classification: Uncertain significance for Dystonic disorder. Last evaluated: 2022-07-03. Review status: criteria provided, single submitter. Criteria: Invitae Variant Classification Sherloc (09022015). Collection method: clinical testing. Allele origin: germline.
Comment: In summary, the available evidence is currently insufficient to determine the role of this variant in disease. Therefore, it has been classified as a Variant of Uncertain Significance. Algorithms developed to predict the effect of sequence changes on RNA splicing suggest that this variant may disrupt the consensus splice site. This variant has not been reported in the literature in individuals affected with CIZ1-related conditions. This variant is present in population databases (rs763627376, gnomAD 0.02%). This sequence change affects codon 545 of the CIZ1 mRNA. It is a 'silent' change, meaning that it does not change the encoded amino acid sequence of the CIZ1 protein.